The following is an entry in ClinVar:

ClinVar aggregate classification (germline): Uncertain significance. Review status: criteria provided, multiple submitters, no conflicts (2 of 4 stars). 2 submissions from 2 submitters: Uncertain significance (2). Last evaluated 2025-10-15.

Conditions:
Atrial fibrillation, familial, 7 (ATFB7). Identifiers: MedGen C2677106, MONDO:0012828, OMIM 612240.
Inborn genetic diseases. Identifiers: MedGen C0950123, MeSH D030342.

Allele frequency attached by ClinVar (database versions not stated): gnomAD 0.00001; TOPMed 0.00005; gnomAD exomes 0.00009.

Submissions (2):

Ambry Genetics
Classification: Uncertain significance for Inborn genetic diseases. Last evaluated: 2025-10-15. Review status: criteria provided, single submitter. Criteria: Ambry Variant Classification Scheme 2023. Collection method: clinical testing. Allele origin: germline.

Labcorp Genetics (formerly Invitae), Labcorp
Classification: Uncertain significance for Atrial fibrillation, familial, 7. Last evaluated: 2025-07-10. Review status: criteria provided, single submitter. Criteria: Invitae Variant Classification Sherloc (09022015). Collection method: clinical testing. Allele origin: germline.
Comment: This sequence change replaces cysteine, which is neutral and slightly polar, with serine, which is neutral and polar, at codon 36 of the KCNA5 protein (p.Cys36Ser). This variant is present in population databases (no rsID available, gnomAD 0.05%). This variant has not been reported in the literature in individuals affected with KCNA5-related conditions. ClinVar contains an entry for this variant (Variation ID: 566847). An algorithm developed to predict the effect of missense changes on protein structure and function outputs the following: PolyPhen-2: "Benign". The serine amino acid residue is found in multiple mammalian species, which suggests that this missense change does not adversely affect protein function. In summary, the available evidence is currently insufficient to determine the role of this variant in disease. Therefore, it has been classified as a Variant of Uncertain Significance.

NM_002234.4(KCNA5):c.106T>A (p.Cys36Ser)

Gene: KCNA5 (potassium voltage-gated channel subfamily A member 5; plus strand). Cytogenetic location: 12p13.32.
Variant type: single nucleotide variant.
Coding change: c.106T>A on transcript NM_002234.4 (MANE Select); coding-DNA position 106, T replaced by A.
Protein change: p.Cys36Ser; replaces cysteine 36 with serine.
Molecular consequence: missense variant.
Genome position (GRCh38, 1-based): chr12:5,044,253, T>A. VCF-style: chr12-5044253-T-A. GRCh37 (hg19) VCF-style: chr12-5153419-T-A.
Other names: c.106T>A (NM_002234.2); short protein forms C36S.
Identifiers: ClinVar variation 566847 (VCV000566847.9), dbSNP rs910072879, ClinGen allele CA231866787.
Genomic context (GRCh38, chr12:5,044,253, plus strand): 5'-GTCAGAGGAGGCGATGAGGCCCGGGCAGGCTGCGGCCAGGCCACAGGGGGAGAGCTCCAG[T>A]GTCCCCCGACGGCTGGGCTCAGCGATGGGCCCAAGGAGCCGGCGCCAAAGGGGCGCGGCG-3'
Protein context (NP_002225.2, residues 26-46): CGQATGGELQ[Cys36Ser]PPTAGLSDGP